The following is an entry in ClinVar:

NM_005219.5(DIAPH1):c.2666C>T (p.Ser889Phe)

Gene: DIAPH1 (diaphanous related formin 1; minus strand). Cytogenetic location: 5q31.3.
Variant type: single nucleotide variant.
Coding change: c.2666C>T on transcript NM_005219.5 (MANE Select); coding-DNA position 2666, C replaced by T.
Protein change: p.Ser889Phe; replaces serine 889 with phenylalanine.
Molecular consequence: missense variant.
Genome position (GRCh38, 1-based): chr5:141,529,613, G>A on the plus strand (C>T on the coding strand, the complement: DIAPH1 is on the minus strand). VCF-style: chr5-141529613-G-A. GRCh37 (hg19) VCF-style: chr5-140909180-G-A.
Other names: c.2639C>T, p.Ser880Phe (NM_001079812.3); c.2666C>T, p.Ser889Phe (NM_001314007.2); short protein forms S889F, S880F.
Identifiers: ClinVar variation 2953658 (VCV002953658.3), dbSNP rs2099887894, ClinGen allele CA361586246.

ClinVar aggregate classification (germline): Uncertain significance (1 of 4 stars; one submission).

Conditions:
Autosomal dominant nonsyndromic hearing loss 1. Also called: DEAFNESS, AUTOSOMAL DOMINANT 1, WITH OR WITHOUT THROMBOCYTOPENIA; KONIGSMARK SYNDROME. Identifiers: Orphanet 90635, MedGen C1852282, MONDO:0007424, OMIM 124900.
Progressive microcephaly-seizures-cortical blindness-developmental delay syndrome. Also called: Seizures, cortical blindness, and microcephaly syndrome. Identifiers: Orphanet 477814, MedGen C5567650, MONDO:0014714, OMIM 616632.

Submission:

Labcorp Genetics (formerly Invitae), Labcorp
Classification: Uncertain significance for Progressive microcephaly-seizures-cortical blindness-developmental delay syndrome; Autosomal dominant nonsyndromic hearing loss 1. Last evaluated: 2023-11-07. Review status: criteria provided, single submitter. Criteria: Invitae Variant Classification Sherloc (09022015). Collection method: clinical testing. Allele origin: germline.
Comment: This sequence change replaces serine, which is neutral and polar, with phenylalanine, which is neutral and non-polar, at codon 889 of the DIAPH1 protein (p.Ser889Phe). This variant is not present in population databases (gnomAD no frequency). This variant has not been reported in the literature in individuals affected with DIAPH1-related conditions. An algorithm developed to predict the effect of missense changes on protein structure and function (PolyPhen-2) suggests that this variant is likely to be disruptive. In summary, the available evidence is currently insufficient to determine the role of this variant in disease. Therefore, it has been classified as a Variant of Uncertain Significance.